The following is an entry in ClinVar:

ClinVar aggregate classification (germline): Uncertain significance (1 of 4 stars; one submission).

Submission:

Center for Pediatric Genomic Medicine, Children's Mercy Hospital and Clinics
Classification: Uncertain significance. Last evaluated: 2016-04-28. Review status: criteria provided, single submitter. Criteria: ACMG Guidelines, 2015. Collection method: clinical testing. Allele origin: germline.
ClinVar note: Converted during submission from Uncertain Significance to Uncertain significance.

NM_005236.3(ERCC4):c.89A>C (p.Asp30Ala)

Genes: ERCC4 (ERCC excision repair 4, endonuclease catalytic subunit; plus strand), LOC130058543 (ATAC-STARR-seq lymphoblastoid active region 10486; plus strand). Cytogenetic location: 16p13.12.
Variant type: single nucleotide variant.
Coding change: c.89A>C on transcript NM_005236.3 (MANE Select); coding-DNA position 89, A replaced by C.
Protein change: p.Asp30Ala; replaces aspartic acid 30 with alanine.
Molecular consequence: missense variant.
Genome position (GRCh38, 1-based): chr16:13,920,254, A>C. VCF-style: chr16-13920254-A-C. GRCh37 (hg19) VCF-style: chr16-14014111-A-C.
Other names: short protein forms D30A.
Identifiers: ClinVar variation 235449 (VCV000235449.3), dbSNP rs878853037, ClinGen allele CA10581313.